The following is an entry in ClinVar:

ClinVar aggregate classification (germline): Uncertain significance (1 of 4 stars; one submission).

Conditions:
Chédiak-Higashi syndrome (CHS). Also called: Chediak-Higashi Syndrome. Identifiers: Orphanet 167, MedGen C0007965, MONDO:0008963, OMIM 214500.

Submission:

Labcorp Genetics (formerly Invitae), Labcorp
Classification: Uncertain significance for Chédiak-Higashi syndrome. Last evaluated: 2021-01-14. Review status: criteria provided, single submitter. Criteria: Invitae Variant Classification Sherloc (09022015). Collection method: clinical testing. Allele origin: germline.
Comment: This sequence change replaces alanine with valine at codon 876 of the LYST protein (p.Ala876Val). The alanine residue is moderately conserved and there is a small physicochemical difference between alanine and valine. In summary, the available evidence is currently insufficient to determine the role of this variant in disease. Therefore, it has been classified as a Variant of Uncertain Significance. Algorithms developed to predict the effect of missense changes on protein structure and function output the following: SIFT: "Tolerated"; PolyPhen-2: "Benign"; Align-GVGD: "Class C0". The valine amino acid residue is found in multiple mammalian species, suggesting that this missense change does not adversely affect protein function. These predictions have not been confirmed by published functional studies and their clinical significance is uncertain. This variant has not been reported in the literature in individuals with LYST-related conditions. This variant is not present in population databases (ExAC no frequency).

NM_000081.4(LYST):c.2627C>T (p.Ala876Val)

Gene: LYST (lysosomal trafficking regulator; minus strand). Cytogenetic location: 1q42.3.
Variant type: single nucleotide variant.
Coding change: c.2627C>T on transcript NM_000081.4 (MANE Select); coding-DNA position 2627, C replaced by T.
Protein change: p.Ala876Val; replaces alanine 876 with valine.
Molecular consequence: missense variant.
Genome position (GRCh38, 1-based): chr1:235,806,509, G>A on the plus strand (C>T on the coding strand, the complement: LYST is on the minus strand). VCF-style: chr1-235806509-G-A. GRCh37 (hg19) VCF-style: chr1-235969809-G-A.
Other names: c.2627C>T, p.Ala876Val (NM_001301365.1); short protein forms A876V.
Identifiers: ClinVar variation 1516579 (VCV001516579.7), dbSNP rs755098509, ClinGen allele CA344956230.
Genomic context (GRCh38, chr1:235,806,509, plus strand): 5'-TTGATATGAACATCTTGGTTAACAGTCTTCCGTCTCTTTGGATAAGCTTCTTTGAGGCCA[G>A]CATAAAATTTGCTGAGACTCTGAGGAGAATCTGAATAAGCTTGCTGATGATGAAAAGAAG-3'
Protein context (NP_000072.2, residues 866-886): DSPQSLSKFY[Ala876Val]GLKEAYPKRR